The following is an entry in ClinVar:

ClinVar aggregate classification (germline): Uncertain significance (1 of 4 stars; one submission).

Conditions:
Hereditary cancer-predisposing syndrome. Also called: Neoplastic Syndromes, Hereditary; Hereditary neoplastic syndrome; Tumor predisposition; Hereditary Cancer Syndrome. Identifiers: Orphanet 140162, MedGen C0027672, MeSH D009386, MONDO:0015356.

gnomAD v4.1: 2 of 1,614,260 alleles (0.00012%); highest among the groups gnomAD compares: Non-Finnish European, 0.00017%; no homozygotes.

Submission:

Color Diagnostics, LLC DBA Color Health
Classification: Uncertain significance for Hereditary cancer-predisposing syndrome. Last evaluated: 2025-07-14. Review status: criteria provided, single submitter. Criteria: ACMG Guidelines, 2015. Collection method: clinical testing. Allele origin: germline.
Comment: This missense variant replaces alanine with threonine at codon 145 of the BAP1 protein. Computational prediction is inconclusive regarding the impact of this variant on protein structure and function. To our knowledge, functional studies have not been reported for this variant. This variant has not been reported in individuals affected with BAP1-related disorders in the literature. This variant has not been identified in the general population by the Genome Aggregation Database (gnomAD). The available evidence is insufficient to determine the role of this variant in disease conclusively. Therefore, this variant is classified as a Variant of Uncertain Significance.

NM_004656.4(BAP1):c.433G>A (p.Ala145Thr)

Gene: BAP1 (BRCA1 associated deubiquitinase 1; minus strand). Cytogenetic location: 3p21.1.
Variant type: single nucleotide variant.
Coding change: c.433G>A on transcript NM_004656.4 (MANE Select); coding-DNA position 433, G replaced by A.
Protein change: p.Ala145Thr; replaces alanine 145 with threonine.
Molecular consequence: missense variant.
Genome position (GRCh38, 1-based): chr3:52,407,403, C>T on the plus strand (G>A on the coding strand, the complement: BAP1 is on the minus strand). VCF-style: chr3-52407403-C-T. GRCh37 (hg19) VCF-style: chr3-52441419-C-T.
Other names: c.433G>A, p.Ala145Thr (NM_001410772.1); short protein forms A145T.
Identifiers: ClinVar variation 4758892 (VCV004758892.1).